The following is an entry in ClinVar:

NM_001276345.2(TNNT2):c.163+120T>C

Gene: TNNT2 (troponin T2, cardiac type; minus strand). Cytogenetic location: 1q32.1.
Variant type: single nucleotide variant.
Coding change: c.163+120T>C on transcript NM_001276345.2 (MANE Select); 120 bases into the intron after coding-DNA position 163, T replaced by C.
Molecular consequence: intron variant.
Genome position (GRCh38, 1-based): chr1:201,368,042, A>G on the plus strand (T>C on the coding strand, the complement: TNNT2 is on the minus strand). VCF-style: chr1-201368042-A-G. GRCh37 (hg19) VCF-style: chr1-201337170-A-G.
Other names: c.118+120T>C (NM_001001432.3); c.133+120T>C (NM_001001431.3, NM_001001430.3, NM_001276347.2); c.163+120T>C (NM_001276346.2, NM_000364.4).
Identifiers: ClinVar variation 671945 (VCV000671945.11), dbSNP rs3729842, ClinGen allele CA10855106.

ClinVar aggregate classification (germline): Benign. Review status: criteria provided, multiple submitters, no conflicts (2 of 4 stars). 6 submissions from 4 submitters: Benign (6). Last evaluated 2026-01-31.

Conditions:
Hypertrophic cardiomyopathy 2. Also called: TNNT2-Related Familial Hypertrophic Cardiomyopathy. Identifiers: MedGen C1861864, MONDO:0007266, OMIM 115195.
Cardiomyopathy, familial restrictive, 3. Identifiers: Orphanet 75249, MedGen C2676271, MONDO:0012900, OMIM 612422.
Dilated cardiomyopathy 1D. Identifiers: Orphanet 154, Orphanet 54260, MedGen C1832243, MONDO:0011095, OMIM 601494.

Allele frequency attached by ClinVar (database versions not stated): gnomAD exomes 0.83204; TOPMed 0.83986; gnomAD 0.84150 and 0.84397; 1000 Genomes Project 30x 0.86212; 1000 Genomes Project 0.86222.
gnomAD v4.1: 917,853 of 1,100,764 alleles (83%); highest among the groups gnomAD compares: South Asian, 89%; 383,301 homozygotes.

Submissions (6):

Labcorp Genetics (formerly Invitae), Labcorp
Classification: Benign for Cardiomyopathy, familial restrictive, 3; Hypertrophic cardiomyopathy 2; Dilated cardiomyopathy 1D. Last evaluated: 2026-01-31. Review status: criteria provided, single submitter. Criteria: Invitae Variant Classification Sherloc (09022015). Collection method: clinical testing. Allele origin: germline.

Genome-Nilou Lab
Classification: Benign for Dilated cardiomyopathy 1D. Last evaluated: 2023-04-11. Review status: criteria provided, single submitter. Criteria: ACMG Guidelines, 2015. Collection method: clinical testing. Allele origin: germline. Affected: no.

Genome-Nilou Lab
Classification: Benign for Cardiomyopathy, familial restrictive, 3. Last evaluated: 2023-04-11. Review status: criteria provided, single submitter. Criteria: ACMG Guidelines, 2015. Collection method: clinical testing. Allele origin: germline. Affected: no.

Genome-Nilou Lab
Classification: Benign for Hypertrophic cardiomyopathy 2. Last evaluated: 2023-04-11. Review status: criteria provided, single submitter. Criteria: ACMG Guidelines, 2015. Collection method: clinical testing. Allele origin: germline. Affected: no.

GeneDx
Classification: Benign. Last evaluated: 2018-06-14. Review status: criteria provided, single submitter. Criteria: GeneDx Variant Classification (06012015). Collection method: clinical testing. Allele origin: germline. Affected: yes.
Comment: This variant is considered likely benign or benign based on one or more of the following criteria: it is a conservative change, it occurs at a poorly conserved position in the protein, it is predicted to be benign by multiple in silico algorithms, and/or has population frequency not consistent with disease.

Breakthrough Genomics
Classification: Benign. Review status: criteria provided, single submitter. Criteria: ACMG Guidelines, 2015. Collection method: not provided. Allele origin: germline. Inheritance: Autosomal dominant inheritance. Affected: yes.